The following is an entry in ClinVar:

NM_017617.5(NOTCH1):c.1972A>G (p.Lys658Glu)

Gene: NOTCH1 (notch receptor 1; minus strand). Cytogenetic location: 9q34.3.
Variant type: single nucleotide variant.
Coding change: c.1972A>G on transcript NM_017617.5 (MANE Select); coding-DNA position 1972, A replaced by G.
Protein change: p.Lys658Glu; replaces lysine 658 with glutamic acid.
Molecular consequence: missense variant.
Genome position (GRCh38, 1-based): chr9:136,515,332, T>C on the plus strand (A>G on the coding strand, the complement: NOTCH1 is on the minus strand). VCF-style: chr9-136515332-T-C. GRCh37 (hg19) VCF-style: chr9-139409784-T-C.
Other names: c.1972A>G, p.Lys658Glu (LRG_1122t1); short protein forms K658E.
Identifiers: ClinVar variation 520036 (VCV000520036.59), dbSNP rs1260932753, ClinGen allele CA375559188.

ClinVar aggregate classification (germline): Conflicting classifications of pathogenicity. Review status: criteria provided, conflicting classifications (1 of 4 stars). 7 submissions from 6 submitters: Uncertain significance (6); Benign (1). Last evaluated 2025-06-20.

Conditions:
Familial thoracic aortic aneurysm and aortic dissection (TAAD). Also called: Thoracic aortic aneurysms and dissections. Identifiers: Orphanet 91387, MedGen C4707243, MONDO:0019625.
Adams-Oliver syndrome 5 (AOS5). Identifiers: Orphanet 974, MedGen C4014970, MONDO:0014459, OMIM 616028.
Aortic valve disease 1 (AOVD1). Identifiers: MedGen C3887892, MONDO:0024523, OMIM 109730.

Allele frequency attached by ClinVar (database versions not stated): gnomAD 0.00001; gnomAD exomes 0.00001 and 0.00003; TOPMed 0.00001.
gnomAD v4.1: 19 of 1,612,924 alleles (0.0012%); highest among the groups gnomAD compares: Middle Eastern, 0.033%; no homozygotes.

Submissions (7):

Labcorp Genetics (formerly Invitae), Labcorp
Classification: Benign for Adams-Oliver syndrome 5. Last evaluated: 2025-06-20. Review status: criteria provided, single submitter. Criteria: Invitae Variant Classification Sherloc (09022015). Collection method: clinical testing. Allele origin: germline.

Ambry Genetics
Classification: Uncertain significance for Familial thoracic aortic aneurysm and aortic dissection. Last evaluated: 2025-03-25. Review status: criteria provided, single submitter. Criteria: Ambry Variant Classification Scheme 2023. Collection method: clinical testing. Allele origin: germline.
Comment: The p.K658E variant (also known as c.1972A>G), located in coding exon 12 of the NOTCH1 gene, results from an A to G substitution at nucleotide position 1972. The lysine at codon 658 is replaced by glutamic acid, an amino acid with some similar properties. This variant was not reported in population based cohorts in the following databases: Database of Single Nucleotide Polymorphisms (dbSNP), NHLBI Exome Sequencing Project (ESP), and 1000 Genomes Project. In the ESP, this variant was not observed in 6408 samples (12816 alleles) with coverage at this position. This amino acid position is well conserved in available vertebrate species. In addition, the in silico prediction for this alteration is inconclusive. Since supporting evidence is limited at this time, the clinical significance of this alteration remains unclear.

Blueprint Genetics
Classification: Uncertain significance. Last evaluated: 2024-05-20. Review status: criteria provided, single submitter. Criteria: ACMG Guidelines, 2015. Collection method: clinical testing. Allele origin: germline.

Women's Health and Genetics/Laboratory Corporation of America, LabCorp
Classification: Uncertain significance. Last evaluated: 2024-04-01. Review status: criteria provided, single submitter. Criteria: LabCorp Variant Classification Summary - May 2015. Collection method: clinical testing. Allele origin: germline.
Comment: Variant summary: NOTCH1 c.1972A>G (p.Lys658Glu) results in a conservative amino acid change located in the EGF-like domain (IPR000742) of the encoded protein sequence. Two of four in-silico tools predict a benign effect of the variant on protein function. The variant allele was found at a frequency of 2.8e-05 in 248422 control chromosomes. The available data on variant occurrences in the general population are insufficient to allow any conclusion about variant significance. To our knowledge, no occurrence of c.1972A>G in individuals affected with Adams-Oliver Syndrome 5 and no experimental evidence demonstrating its impact on protein function have been reported. ClinVar contains an entry for this variant (Variation ID: 520036). Based on the evidence outlined above, the variant was classified as uncertain significance.

GeneDx
Classification: Uncertain significance. Last evaluated: 2024-01-18. Review status: criteria provided, single submitter. Criteria: GeneDx Variant Classification Process June 2021. Collection method: clinical testing. Allele origin: germline. Affected: yes.
Comment: Has not been previously published as pathogenic or benign to our knowledge; In silico analysis supports that this missense variant does not alter protein structure/function

Genome-Nilou Lab
Classification: Uncertain significance for Adams-Oliver syndrome 5. Last evaluated: 2022-03-15. Review status: criteria provided, single submitter. Criteria: ACMG Guidelines, 2015. Collection method: clinical testing. Allele origin: germline. Affected: no.

Genome-Nilou Lab
Classification: Uncertain significance for Aortic valve disease 1. Last evaluated: 2022-03-15. Review status: criteria provided, single submitter. Criteria: ACMG Guidelines, 2015. Collection method: clinical testing. Allele origin: germline. Affected: no.